The following is an entry in ClinVar:

NM_001040108.2(MLH3):c.2980del (p.Gln994fs)

Gene: MLH3 (mutL homolog 3; minus strand). Cytogenetic location: 14q24.3.
Variant type: Deletion.
Coding change: c.2980del on transcript NM_001040108.2 (MANE Select); coding-DNA position 2980, one base deleted (C; older notation c.2980delC).
Protein change: p.Gln994fs; shifts the reading frame from glutamine 994.
Molecular consequence: frameshift variant.
Genome position (GRCh38, 1-based): chr14:75,046,676, G deleted on the plus strand (C on the coding strand, the reverse complement: MLH3 is on the minus strand). VCF-style (leftmost placement, unchanged base first): chr14-75046675-TG-T. GRCh37 (hg19) VCF-style: chr14-75513378-TG-T.
Other names: c.2980del, p.Gln994fs (NM_014381.3); short protein forms Q994fs.
Identifiers: ClinVar variation 5042222 (VCV005042222.1).

ClinVar aggregate classification (germline): Pathogenic (1 of 4 stars; one submission).

Conditions:
Colorectal cancer, hereditary nonpolyposis, type 7. Identifiers: Orphanet 144, MedGen C1858380, MONDO:0013725, OMIM 614385.

Submission:

Myriad Genetics, Inc.
Classification: Pathogenic for Colorectal cancer, hereditary nonpolyposis, type 7. Last evaluated: 2026-07-23. Review status: criteria provided, single submitter. Criteria: Myriad Autosomal Dominant, Autosomal Recessive and X-Linked Classification Criteria (2023). Collection method: clinical testing. Allele origin: unknown.
Comment: This variant is considered pathogenic. This variant creates a frameshift predicted to result in premature protein truncation.